The following is an entry in ClinVar:

ClinVar aggregate classification (germline): Uncertain significance. Review status: criteria provided, multiple submitters, no conflicts (2 of 4 stars). 2 submissions from 2 submitters: Uncertain significance (2). Last evaluated 2022-09-07.

Conditions:
Wiedemann-Steiner syndrome (WDSTS). Also called: Growth deficiency and mental retardation with facial dysmorphism. Identifiers: Orphanet 319182, MedGen C1854630, MONDO:0011518, OMIM 605130.

Allele frequency attached by ClinVar (database versions not stated): gnomAD exomes below 0.00001.
gnomAD v4.1: 3 of 1,614,130 alleles (0.00019%); highest among the groups gnomAD compares: Non-Finnish European, 0.00025%; no homozygotes.

Submissions (2):

Labcorp Genetics (formerly Invitae), Labcorp
Classification: Uncertain significance. Last evaluated: 2022-09-07. Review status: criteria provided, single submitter. Criteria: Invitae Variant Classification Sherloc (09022015). Collection method: clinical testing. Allele origin: germline.
Comment: This sequence change replaces lysine, which is basic and polar, with glutamic acid, which is acidic and polar, at codon 2493 of the KMT2A protein (p.Lys2493Glu). This variant is not present in population databases (gnomAD no frequency). This variant has not been reported in the literature in individuals affected with KMT2A-related conditions. ClinVar contains an entry for this variant (Variation ID: 1328133). Advanced modeling of protein sequence and biophysical properties (such as structural, functional, and spatial information, amino acid conservation, physicochemical variation, residue mobility, and thermodynamic stability) performed at Invitae indicates that this missense variant is not expected to disrupt KMT2A protein function. In summary, the available evidence is currently insufficient to determine the role of this variant in disease. Therefore, it has been classified as a Variant of Uncertain Significance.

Illumina Laboratory Services, Illumina
Classification: Uncertain significance for Wiedemann-Steiner syndrome. Last evaluated: 2021-08-19. Review status: criteria provided, single submitter. Criteria: ICSLVariantClassificationCriteria RUGD 01 April 2020. Collection method: clinical testing. Allele origin: unknown.
Comment: The KMT2A c.7477A>G (p.Lys2493Glu) variant is a missense variant. A literature search was performed for the gene, cDNA change, and amino acid change. No publications were found based on this search. This variant is not found in the Genome Aggregation Database despite its location in a region of good sequence coverage, so the variant is presumed to be rare. Based on the limited evidence, the p.Lys2493Glu variant is classified as a variant of uncertain significance for Wiedemann-Steiner syndrome.

NM_001197104.2(KMT2A):c.7477A>G (p.Lys2493Glu)

Gene: KMT2A (lysine methyltransferase 2A; plus strand). Cytogenetic location: 11q23.3.
Variant type: single nucleotide variant.
Coding change: c.7477A>G on transcript NM_001197104.2 (MANE Select); coding-DNA position 7477, A replaced by G.
Protein change: p.Lys2493Glu; replaces lysine 2493 with glutamic acid.
Molecular consequence: missense variant.
Genome position (GRCh38, 1-based): chr11:118,503,369, A>G. VCF-style: chr11-118503369-A-G. GRCh37 (hg19) VCF-style: chr11-118374084-A-G.
Other names: c.7468A>G, p.Lys2490Glu (NM_005933.4); short protein forms K2490E, K2493E.
Identifiers: ClinVar variation 1328133 (VCV001328133.8), dbSNP rs1950532267, ClinGen allele CA382805733.